The following is an entry in ClinVar:

NM_015047.3(EMC1):c.2156T>C (p.Val719Ala)

Genes: EMC1 (ER membrane protein complex subunit 1; minus strand), EMC1-AS1 (EMC1 antisense RNA 1; plus strand). Cytogenetic location: 1p36.13.
Variant type: single nucleotide variant.
Coding change: c.2156T>C on transcript NM_015047.3 (MANE Select); coding-DNA position 2156, T replaced by C.
Protein change: p.Val719Ala; replaces valine 719 with alanine.
Molecular consequence: missense variant.
Genome position (GRCh38, 1-based): chr1:19,227,359, A>G on the plus strand (T>C on the coding strand, the complement: EMC1 is on the minus strand). VCF-style: chr1-19227359-A-G. GRCh37 (hg19) VCF-style: chr1-19553853-A-G.
Other names: c.2165T>C, p.Val722Ala (NM_001375820.1); c.2162T>C, p.Val721Ala (NM_001375821.1); c.2153T>C, p.Val718Ala (NM_001271427.2, NM_001271428.2); c.2090T>C, p.Val697Ala (NM_001271429.2); short protein forms V697A, V718A, V719A, V721A, V722A.
Identifiers: ClinVar variation 4532470 (VCV004532470.1).

ClinVar aggregate classification (germline): Uncertain significance (1 of 4 stars; one submission).

gnomAD v4.1: 1 of 1,614,058 alleles (0.000062%); highest among the groups gnomAD compares: South Asian, 0.0011%; no homozygotes.

Submission:

GeneDx
Classification: Uncertain significance. Last evaluated: 2025-05-27. Review status: criteria provided, single submitter. Criteria: GeneDx Variant Classification Process June 2021. Collection method: clinical testing. Allele origin: germline. Affected: yes.
Comment: Not observed at significant frequency in large population cohorts (gnomAD); In silico analysis supports that this missense variant has a deleterious effect on protein structure/function; Has not been previously published as pathogenic or benign to our knowledge